The following is an entry in ClinVar:

NM_005876.5(SPEG):c.4482G>A (p.Val1494=)

Gene: SPEG (striated muscle enriched protein kinase; plus strand). Cytogenetic location: 2q35.
Variant type: single nucleotide variant.
Coding change: c.4482G>A on transcript NM_005876.5 (MANE Select); coding-DNA position 4482, G replaced by A.
Protein change: p.Val1494=; no amino-acid change (valine 1494 retained).
Molecular consequence: synonymous variant.
Genome position (GRCh38, 1-based): chr2:219,476,904, G>A. VCF-style: chr2-219476904-G-A. GRCh37 (hg19) VCF-style: chr2-220341626-G-A.
Identifiers: ClinVar variation 3778563 (VCV003778563.7).
Genomic context (GRCh38, chr2:219,476,904, plus strand): 5'-CCCACCCCTATCCCCATGTGTTTCAGAGGCCCCTCGGTTTGAGTCCATCATGGAGGACGT[G>A]GAGGTGGGGGCTGGGGAAACTGCTCGCTTTGCGGTGGTGGTCGAGGGAAAACCACTGCCG-3'
Protein context (NP_005867.3, residues 1484-1504): APRFESIMED[Val1494=]EVGAGETARF

ClinVar aggregate classification (germline): Likely benign (1 of 4 stars; one submission).

gnomAD v4.1: 2 of 1,613,842 alleles (0.00012%); highest among the groups gnomAD compares: Non-Finnish European, 0.00017%; no homozygotes.

Submission:

CeGaT Center for Human Genetics Tuebingen
Classification: Likely benign. Last evaluated: 2025-03-01. Review status: criteria provided, single submitter. Criteria: CeGaT Center For Human Genetics Tuebingen Variant Classification Criteria Version 2. Collection method: clinical testing. Allele origin: germline. Affected: yes. Observed: 1 variant allele.
Comment: SPEG: BP4, BP7